The following is an entry in ClinVar:

NM_018928.3(PCDHGC4):c.2412C>T (p.Cys804=)

Genes: PCDHG@ (protocadherin gamma cluster; plus strand), PCDHGA1 (protocadherin gamma subfamily A, 1; plus strand), PCDHGA10 (protocadherin gamma subfamily A, 10; plus strand), PCDHGA11 (protocadherin gamma subfamily A, 11; plus strand), PCDHGA12 (protocadherin gamma subfamily A, 12; plus strand) and 17 more. Cytogenetic location: 5q31.3.
Variant type: single nucleotide variant.
Coding change: c.2412C>T on transcript NM_018928.3 (MANE Select); coding-DNA position 2412, C replaced by T.
Protein change: p.Cys804=; no amino-acid change (cysteine 804 retained).
Molecular consequence: synonymous variant. On other transcripts: intron variant (23).
Genome position (GRCh38, 1-based): chr5:141,487,585, C>T. VCF-style: chr5-141487585-C-T. GRCh37 (hg19) VCF-style: chr5-140867152-C-T.
Other names: c.2412C>T, p.Cys804= (NM_032406.1); c.2422-7222C>T (NM_018912.3, NM_018923.3, NM_018918.3); c.2425-7222C>T (NM_018915.4, NM_018916.4, NM_018919.3 and 4 more transcripts); c.2410-7222C>T (NM_018922.3); c.2515-7222C>T (NM_018917.4); c.2416-7222C>T (NM_018924.5, NM_018927.4); c.2398-7222C>T (NM_003736.4, NM_018925.3); c.2419-7222C>T (NM_018926.3); and 6 more.
Identifiers: ClinVar variation 3898139 (VCV003898139.7).

ClinVar aggregate classification (germline): Likely benign (1 of 4 stars; one submission).

gnomAD v4.1: 7,902 of 1,614,160 alleles (0.49%); highest among the groups gnomAD compares: Admixed American, 0.88%; 42 homozygotes.

Submission:

CeGaT Center for Human Genetics Tuebingen
Classification: Likely benign. Last evaluated: 2026-09-01. Review status: criteria provided, single submitter. Criteria: CeGaT Center For Human Genetics Tuebingen Variant Classification Criteria Version 2. Collection method: clinical testing. Allele origin: germline. Affected: yes. Observed: 10 variant alleles.
Comment: PCDHGC4: BP4, BP7, BS2